The following is an entry in ClinVar:

NC_000023.11:g.55031184G>C

Genes: ALAS2 (5'-aminolevulinate synthase 2; minus strand), PAGE2B (PAGE family member 2B; plus strand). Cytogenetic location: Xp11.21.
Variant type: single nucleotide variant.
Genome position: GRCh38 VCF-style: chrX-55031184-G-C. GRCh37 (hg19) VCF-style: chrX-55057617-G-C.
Other names: -206C-G, PROMOTER.
Identifiers: ClinVar variation 10480 (VCV000010480.36), dbSNP rs140772352, ClinGen allele CA351340.

ClinVar aggregate classification (germline): Benign/Likely benign. Review status: criteria provided, multiple submitters, no conflicts (2 of 4 stars). 8 submissions from 8 submitters: Benign (2); Likely benign (4). 2 of the submissions do not count toward it. Last evaluated 2026-08-01.

Conditions:
ALAS2-related disorder. Also called: ALAS2-related condition.
X-linked sideroblastic anemia 1. Also called: X-linked pyridoxine-refractory sideroblastic anemia; ANEMIA, SIDEROBLASTIC, 1, PYRIDOXINE REFRACTORY; Anemia, sideroblastic, 1; Erythroid 5-aminolevulinate synthase deficiency; X chromosome-linked sideroblastic anemia; Anemia, hereditary sideroblastic 1, pyridoxine refractory. Identifiers: Orphanet 75563, MedGen C4551511, MONDO:0020721, OMIM 300751. Disease mechanism: loss of function.

Allele frequency attached by ClinVar (database versions not stated): gnomAD 0.00656 and 0.00643; gnomAD exomes 0.00662; 1000 Genomes Project 0.00265; 1000 Genomes Project 30x 0.00291; TOPMed 0.00640.
gnomAD v4.1: 1,186 of 181,091 alleles (0.65%); highest among the groups gnomAD compares: Middle Eastern, 0.94%; 3 homozygotes.

Submissions (8):

CeGaT Center for Human Genetics Tuebingen
Classification: Benign. Last evaluated: 2026-08-01. Review status: criteria provided, single submitter. Criteria: CeGaT Center For Human Genetics Tuebingen Variant Classification Criteria Version 2. Collection method: clinical testing. Allele origin: germline. Affected: yes. Observed: 29 variant alleles.
Comment: ALAS2: BS1, BS2

Labcorp Genetics (formerly Invitae), Labcorp
Classification: Benign. Last evaluated: 2026-02-02. Review status: criteria provided, single submitter. Criteria: Invitae Variant Classification Sherloc (09022015). Collection method: clinical testing. Allele origin: germline.

ARUP Laboratories, Molecular Genetics and Genomics, ARUP Laboratories
Classification: Likely benign. Last evaluated: 2025-07-02. Review status: criteria provided, single submitter. Criteria: ARUP Molecular Germline Variant Investigation Process 2024. Collection method: clinical testing. Allele origin: germline.

Blueprint Genetics
Classification: Likely benign. Last evaluated: 2024-11-28. Review status: criteria provided, single submitter. Criteria: ACMG Guidelines, 2015. Collection method: clinical testing. Allele origin: germline.

GeneDx
Classification: Likely benign. Last evaluated: 2021-02-26. Review status: criteria provided, single submitter. Criteria: GeneDx Variant Classification Process June 2021. Collection method: clinical testing. Allele origin: germline. Affected: yes.
Comment: Nucleotide substitution has no predicted effect on splicing and is not conserved across species; This variant is associated with the following publications: (PMID: 23935018, 25910213, 12663458, 32641076)

Breakthrough Genomics
Classification: Likely benign. Review status: criteria provided, single submitter. Criteria: ACMG Guidelines, 2015. Collection method: not provided. Allele origin: germline. Inheritance: X-linked inheritance. Affected: yes.

PreventionGenetics, part of Exact Sciences
Classification: Likely benign for ALAS2-related condition. Last evaluated: 2024-03-21. Review status: no assertion criteria provided. Collection method: clinical testing. Allele origin: germline. Not counted in ClinVar's aggregate classification.
Comment: This variant is classified as likely benign based on ACMG/AMP sequence variant interpretation guidelines (Richards et al. 2015 PMID: 25741868, with internal and published modifications).

OMIM
Classification: Pathogenic for ANEMIA, SIDEROBLASTIC, 1. Last evaluated: 2003-07-15. Review status: no assertion criteria provided. Collection method: literature only. Allele origin: germline. Not counted in ClinVar's aggregate classification.

Literature cited by the submitters: PubMed 12663458 (cited by OMIM).